The following is an entry in ClinVar:

ClinVar aggregate classification (germline): Uncertain significance. Review status: criteria provided, multiple submitters, no conflicts (2 of 4 stars). 2 submissions from 2 submitters: Uncertain significance (2). Last evaluated 2025-09-15.

gnomAD v4.1: 1 of 1,149,296 alleles (0.000087%); highest among the groups gnomAD compares: Non-Finnish European, 0.00012%; no homozygotes.

Submissions (2):

GeneDx
Classification: Uncertain significance. Last evaluated: 2025-09-15. Review status: criteria provided, single submitter. Criteria: GeneDx Variant Classification Process June 2021. Collection method: clinical testing. Allele origin: germline.
Comment: Not observed at significant frequency in large population cohorts (gnomAD); In silico analysis supports that this missense variant has a deleterious effect on protein structure/function; Has not been previously published as pathogenic or benign to our knowledge

Labcorp Genetics (formerly Invitae), Labcorp
Classification: Uncertain significance. Last evaluated: 2022-08-15. Review status: criteria provided, single submitter. Criteria: Invitae Variant Classification Sherloc (09022015). Collection method: clinical testing. Allele origin: germline.
Comment: This sequence change replaces aspartic acid, which is acidic and polar, with tyrosine, which is neutral and polar, at codon 26 of the CUL3 protein (p.Asp26Tyr). This variant is not present in population databases (gnomAD no frequency). This variant has not been reported in the literature in individuals affected with CUL3-related conditions. Algorithms developed to predict the effect of missense changes on protein structure and function are either unavailable or do not agree on the potential impact of this missense change (SIFT: "Deleterious"; PolyPhen-2: "Probably Damaging"; Align-GVGD: "Class C0"). In summary, the available evidence is currently insufficient to determine the role of this variant in disease. Therefore, it has been classified as a Variant of Uncertain Significance.

NM_003590.5(CUL3):c.76G>T (p.Asp26Tyr)

Gene: CUL3 (cullin 3; minus strand). Cytogenetic location: 2q36.2.
Variant type: single nucleotide variant.
Coding change: c.76G>T on transcript NM_003590.5 (MANE Select); coding-DNA position 76, G replaced by T.
Protein change: p.Asp26Tyr; replaces aspartic acid 26 with tyrosine.
Molecular consequence: missense variant. On other transcripts: intron variant (1).
Genome position (GRCh38, 1-based): chr2:224,557,847, C>A on the plus strand (G>T on the coding strand, the complement: CUL3 is on the minus strand). VCF-style: chr2-224557847-C-A. GRCh37 (hg19) VCF-style: chr2-225422564-C-A.
Other names: c.94G>T, p.Asp32Tyr (NM_001257198.2); c.67-22206G>T (NM_001257197.2); c.76G>T (NM_003590.4); short protein forms D26Y, D32Y.
Identifiers: ClinVar variation 2024204 (VCV002024204.6), dbSNP rs2106305184, ClinGen allele CA351131033.